The following is an entry in ClinVar:

NM_005475.3(SH2B3):c.415C>T (p.Arg139Cys)

Gene: SH2B3 (SH2B adaptor protein 3; plus strand). Cytogenetic location: 12q24.12.
Variant type: single nucleotide variant.
Coding change: c.415C>T on transcript NM_005475.3 (MANE Select); coding-DNA position 415, C replaced by T.
Protein change: p.Arg139Cys; replaces arginine 139 with cysteine.
Molecular consequence: missense variant.
Genome position (GRCh38, 1-based): chr12:111,418,560, C>T. VCF-style: chr12-111418560-C-T. GRCh37 (hg19) VCF-style: chr12-111856364-C-T.
Other names: short protein forms R139C.
Identifiers: ClinVar variation 4630753 (VCV004630753.1).

ClinVar aggregate classification (germline): Uncertain significance (1 of 4 stars; one submission).

Conditions:
Inborn genetic diseases. Identifiers: MedGen C0950123, MeSH D030342.

gnomAD v4.1: 2 of 1,471,478 alleles (0.00014%); highest among the groups gnomAD compares: Non-Finnish European, 0.00009%; no homozygotes.

Submission:

Ambry Genetics
Classification: Uncertain significance for Inborn genetic diseases. Last evaluated: 2025-11-15. Review status: criteria provided, single submitter. Criteria: Ambry Variant Classification Scheme 2023. Collection method: clinical testing. Allele origin: germline.
Comment: The p.R139C variant (also known as c.415C>T), located in coding exon 1 of the SH2B3 gene, results from a C to T substitution at nucleotide position 415. The arginine at codon 139 is replaced by cysteine, an amino acid with highly dissimilar properties. This amino acid position is conserved. In addition, this alteration is predicted to be tolerated by in silico analysis. Based on the available evidence, the clinical significance of this variant remains unclear.